The following is an entry in ClinVar:

ClinVar aggregate classification (germline): Uncertain significance (1 of 4 stars; one submission).

Submission:

Labcorp Genetics (formerly Invitae), Labcorp
Classification: Uncertain significance. Last evaluated: 2022-01-06. Review status: criteria provided, single submitter. Criteria: Invitae Variant Classification Sherloc (09022015). Collection method: clinical testing. Allele origin: germline.
Comment: This variant has not been reported in the literature in individuals affected with BLK-related conditions. In summary, the available evidence is currently insufficient to determine the role of this variant in disease. Therefore, it has been classified as a Variant of Uncertain Significance. Experimental studies and prediction algorithms are not available or were not evaluated, and the functional significance of this variant is currently unknown. This variant is not present in population databases (gnomAD no frequency). This sequence change results in a frameshift in the BLK gene (p.Glu478Glyfs*108). While this is not anticipated to result in nonsense mediated decay, it is expected to disrupt the last 28 amino acid(s) of the BLK protein and extend the protein by 79 additional amino acid residues.

NM_001715.3(BLK):c.1428_1432dup (p.Glu478fs)

Gene: BLK (BLK proto-oncogene, Src family tyrosine kinase). Cytogenetic location: 8p23.1.
Variant type: Duplication.
Coding change: c.1428_1432dup on transcript NM_001715.3 (MANE Select); coding-DNA positions 1428 to 1432, 5 bases duplicated.
Protein change: p.Glu478fs; shifts the reading frame from glutamic acid 478.
Molecular consequence: frameshift variant.
Genome position: GRCh38 VCF-style: chr8-11564014-G-GCCGGC. GRCh37 (hg19) VCF-style: chr8-11421523-G-GCCGGC.
Other names: c.1215_1219dup, p.Glu407fs (NM_001330465.2); short protein forms E478fs, E407fs.
Identifiers: ClinVar variation 1491674 (VCV001491674.6), dbSNP rs2117612793, ClinGen allele CA2573142554.
Genomic context (GRCh38, chr8:11,564,014, plus strand): 5'-CGCGCCCCGACACCTGCCCGCCCGAGCTGTACCGCGGCGTCATCGCCGAGTGCTGGCGCA[G>GCCGGC]CCGGCCCGAGGAGCGGCCCACCTTCGAGTTCCTGCAGTCGGTGCTGGAGGACTTCTACAC-3'